The following is an entry in ClinVar:

NM_144999.4(LRRC45):c.833+6C>T

Gene: LRRC45 (leucine rich repeat containing 45; plus strand). Cytogenetic location: 17q25.3.
Variant type: single nucleotide variant.
Coding change: c.833+6C>T on transcript NM_144999.4 (MANE Select); 6 bases into the intron after coding-DNA position 833, C replaced by T.
Molecular consequence: intron variant.
Genome position (GRCh38, 1-based): chr17:82,027,450, C>T. VCF-style: chr17-82027450-C-T. GRCh37 (hg19) VCF-style: chr17-79985326-C-T.
Identifiers: ClinVar variation 4979138 (VCV004979138.1).
Genomic context (GRCh38, chr17:82,027,450, plus strand): 5'-TCGACTTGATGGAGACTATTGATAAGCAGCGAGAAGAGATGGCCAAGAGCAGCAGGTGAG[C>T]GGGCCCAGGGCAGGGGCAGGGTGAGGCTTCAGGGATCAGGTCCTGGCTCAGACTCAGATG-3'

ClinVar aggregate classification (germline): Likely benign (1 of 4 stars; one submission).

Conditions:
LRRC45-related disorder. Also called: LRRC45-related condition.

gnomAD v4.1: 25 of 1,612,520 alleles (0.0016%); highest among the groups gnomAD compares: South Asian, 0.0044%; no homozygotes.

Submission:

PreventionGenetics, part of Exact Sciences
Classification: Likely benign for LRRC45-related condition. Last evaluated: 2025-05-09. Review status: criteria provided, single submitter. Criteria: ACMG Guidelines, 2015. Collection method: clinical testing. Allele origin: germline.
Comment: This variant is classified as likely benign based on ACMG/AMP sequence variant interpretation guidelines (Richards et al. 2015 PMID: 25741868, with internal and published modifications).